The following is an entry in ClinVar:

NM_145290.4(ADGRA3):c.1715C>T (p.Ser572Leu)

Gene: ADGRA3 (adhesion G protein-coupled receptor A3; minus strand). Cytogenetic location: 4p15.2.
Variant type: single nucleotide variant.
Coding change: c.1715C>T on transcript NM_145290.4 (MANE Select); coding-DNA position 1715, C replaced by T.
Protein change: p.Ser572Leu; replaces serine 572 with leucine.
Molecular consequence: missense variant.
Genome position (GRCh38, 1-based): chr4:22,420,980, G>A on the plus strand (C>T on the coding strand, the complement: ADGRA3 is on the minus strand). VCF-style: chr4-22420980-G-A. GRCh37 (hg19) VCF-style: chr4-22422603-G-A.
Other names: short protein forms S572L.
Identifiers: ClinVar variation 943088 (VCV000943088.10), dbSNP rs112799193, ClinGen allele CA2873860.
Genomic context (GRCh38, chr4:22,420,980, plus strand): 5'-TTGCACTTAAAGCTCAGCTGCTTATCCAGGTTTCCCTCTGGATCCCGCCTCCCATAATCC[G>A]AAAGTCCTGTACGATCAGAGGCTGCCACTTTCTGGAACACGGTACAGGTCATCCCCGTGA-3'
Protein context (NP_660333.2, residues 562-582): KVAASDRTGL[Ser572Leu]DYGRRDPEGN

ClinVar aggregate classification (germline): Uncertain significance (1 of 4 stars; one submission).

Allele frequency attached by ClinVar (database versions not stated): ESP Exome Variant Server 0.00008; gnomAD 0.00009 and 0.00013; ExAC 0.00010; gnomAD exomes 0.00010 and 0.00005; TOPMed 0.00015; 1000 Genomes Project 30x 0.00047; 1000 Genomes Project 0.00060.
gnomAD v4.1: 92 of 1,614,006 alleles (0.0057%); highest among the groups gnomAD compares: African/African-American, 0.045%; no homozygotes.

Submission:

Labcorp Genetics (formerly Invitae), Labcorp
Classification: Uncertain significance. Last evaluated: 2025-07-30. Review status: criteria provided, single submitter. Criteria: Invitae Variant Classification Sherloc (09022015). Collection method: clinical testing. Allele origin: germline.
Comment: This sequence change replaces serine, which is neutral and polar, with leucine, which is neutral and non-polar, at codon 572 of the ADGRA3 protein (p.Ser572Leu). This variant is present in population databases (rs112799193, gnomAD 0.03%). This variant has not been reported in the literature in individuals affected with ADGRA3-related conditions. ClinVar contains an entry for this variant (Variation ID: 943088). An algorithm developed to predict the effect of missense changes on protein structure and function (PolyPhen-2) suggests that this variant is likely to be tolerated. In summary, the available evidence is currently insufficient to determine the role of this variant in disease. Therefore, it has been classified as a Variant of Uncertain Significance.